The following is an entry in ClinVar:

ClinVar aggregate classification (germline): Benign/Likely benign. Review status: criteria provided, multiple submitters, no conflicts (2 of 4 stars). 18 submissions from 18 submitters: Benign (11); Likely benign (2). 5 of the submissions do not count toward it. Last evaluated 2026-02-03.

Conditions:
Familial isolated arrhythmogenic right ventricular dysplasia. Identifiers: Orphanet 217656, MedGen C4274968, MONDO:0016342.
Cardiovascular phenotype. Identifiers: MedGen CN230736.
Cardiomyopathy (CMYO). Also called: Cardiomyopathies. Identifiers: Orphanet 167848, MedGen C0878544, MONDO:0004994, HP:0001638. Inheritance: Various modes of inheritance.
Arrhythmogenic right ventricular dysplasia 11. Also called: ARRHYTHMOGENIC RIGHT VENTRICULAR DYSPLASIA, FAMILIAL, 11; Arrhythmogenic right ventricular dysplasia 11 with mild palmoplantar keratoderma and woolly hair; Arrhythmogenic Right Ventricular Dysplasia/Cardiomyopathy11. Identifiers: MedGen C1864850, MONDO:0012506, OMIM 610476.

Allele frequency attached by ClinVar (database versions not stated): gnomAD exomes 0.00048 and 0.00155; ExAC 0.00199; gnomAD 0.00549 and 0.00590; 1000 Genomes Project 0.00639; 1000 Genomes Project 30x 0.00640; TOPMed 0.00640; ESP Exome Variant Server 0.00800.
gnomAD v4.1: 1,581 of 1,613,912 alleles (0.098%); highest among the groups gnomAD compares: African/African-American, 1.8%; 13 homozygotes.

Submissions (18):

Labcorp Genetics (formerly Invitae), Labcorp
Classification: Benign for Arrhythmogenic right ventricular dysplasia 11. Last evaluated: 2026-02-03. Review status: criteria provided, single submitter. Criteria: Invitae Variant Classification Sherloc (09022015). Collection method: clinical testing. Allele origin: germline.

Molecular Diagnostic Laboratory for Inherited Cardiovascular Disease, Montreal Heart Institute
Classification: Benign. Last evaluated: 2025-04-09. Review status: criteria provided, single submitter. Criteria: ACMG Guidelines, 2015. Collection method: clinical testing. Allele origin: germline. Affected: no.

Blueprint Genetics
Classification: Likely benign. Last evaluated: 2024-11-13. Review status: criteria provided, single submitter. Criteria: ACMG Guidelines, 2015. Collection method: clinical testing. Allele origin: germline.

ARUP Laboratories, Molecular Genetics and Genomics, ARUP Laboratories
Classification: Benign. Last evaluated: 2024-09-16. Review status: criteria provided, single submitter. Criteria: ARUP Molecular Germline Variant Investigation Process 2024. Collection method: clinical testing. Allele origin: germline.

All of Us Research Program, National Institutes of Health
Classification: Benign for Familial isolated arrhythmogenic right ventricular dysplasia. Last evaluated: 2024-02-05. Review status: criteria provided, single submitter. Criteria: ACMG Guidelines, 2015. Collection method: clinical testing. Allele origin: germline. Inheritance: Autosomal dominant inheritance. Observed: 316 variant alleles, 314 heterozygotes, 2 homozygotes.
Comment: This study involves interpretation of variants in research participants for the purpose of population health screening. Participant phenotype was not available at the time of variant classification. Additional details can be found in publication PMID: 35346344, PMCID: PMC8962531

Mayo Clinic Laboratories, Mayo Clinic
Classification: Benign. Last evaluated: 2022-08-30. Review status: criteria provided, single submitter. Criteria: ACMG Guidelines, 2015. Collection method: clinical testing. Allele origin: germline. Observed: 8 variant alleles.
Comment: BS1, BS2, BP4, BP7

Fulgent Genetics
Classification: Benign for Arrhythmogenic right ventricular dysplasia 11. Last evaluated: 2021-07-19. Review status: criteria provided, single submitter. Criteria: ACMG Guidelines, 2015. Collection method: clinical testing. Allele origin: unknown.

Color Diagnostics, LLC DBA Color Health
Classification: Benign for Cardiomyopathy. Last evaluated: 2018-03-08. Review status: criteria provided, single submitter. Criteria: ACMG Guidelines, 2015. Collection method: clinical testing. Allele origin: germline.

Laboratory for Molecular Medicine, Mass General Brigham Personalized Medicine
Classification: Benign. Last evaluated: 2018-01-22. Review status: criteria provided, single submitter. Criteria: LMM Criteria. Collection method: clinical testing. Allele origin: germline. Observed: 10 variant alleles.
Comment: p.Asn573Asn in exon 12 of DSC2: This variant is not expected to have clinical si gnificance because it does not alter an amino acid residue, is not located withi n the splice consensus sequence, and has been identified in 1.9% (453/24014) of African chromosomes including 8 homozygotes by the Genome Aggregation Database ( gnomAD; dbSNP rs140167653). ACMG/AMP Criteria applied: BA1, BP7.

Illumina Laboratory Services, Illumina
Classification: Likely benign for Arrhythmogenic right ventricular dysplasia 11. Last evaluated: 2018-01-12. Review status: criteria provided, single submitter. Criteria: ICSL Variant Classification Criteria 13 December 2019. Collection method: clinical testing. Allele origin: germline.
Comment: This variant was observed in the ICSL laboratory as part of a predisposition screen in an ostensibly healthy population. It had not been previously curated by ICSL or reported in the Human Gene Mutation Database (HGMD: prior to June 1st, 2018), and was therefore a candidate for classification through an automated scoring system. Utilizing variant allele frequency, disease prevalence and penetrance estimates, and inheritance mode, an automated score was calculated to assess if this variant is too frequent to cause the disease. Based on the score and internal cut-off values, a variant classified as likely benign is not then subjected to further curation. The score for this variant resulted in a classification of likely benign for this disease.

CHEO Genetics Diagnostic Laboratory, Children's Hospital of Eastern Ontario
Classification: Benign for Cardiomyopathy. Last evaluated: 2016-10-11. Review status: criteria provided, single submitter. Criteria: ACMG Guidelines, 2015. Collection method: clinical testing. Allele origin: germline. Study: Canadian Open Genetics Repository.

Ambry Genetics
Classification: Benign for Cardiovascular phenotype. Last evaluated: 2015-08-13. Review status: criteria provided, single submitter. Criteria: Ambry Variant Classification Scheme 2023. Collection method: clinical testing. Allele origin: germline.

GeneDx
Classification: Benign. Last evaluated: 2014-04-03. Review status: criteria provided, single submitter. Criteria: GeneDx Variant Classification (06012015). Collection method: clinical testing. Allele origin: germline. Affected: yes.
Comment: This variant is considered likely benign or benign based on one or more of the following criteria: it is a conservative change, it occurs at a poorly conserved position in the protein, it is predicted to be benign by multiple in silico algorithms, and/or has population frequency not consistent with disease.

Clinical Genetics DNA and cytogenetics Diagnostics Lab, Erasmus MC, Erasmus Medical Center
Classification: Benign. Review status: no assertion criteria provided. Collection method: clinical testing. Allele origin: germline. Affected: yes. Study: VKGL Data-share Consensus. Not counted in ClinVar's aggregate classification.

Clinical Genetics, Academic Medical Center
Classification: Benign. Review status: no assertion criteria provided. Collection method: clinical testing. Allele origin: germline. Affected: yes. Study: VKGL Data-share Consensus. Not counted in ClinVar's aggregate classification.

Diagnostic Laboratory, Department of Genetics, University Medical Center Groningen
Classification: Likely benign. Review status: no assertion criteria provided. Collection method: clinical testing. Allele origin: germline. Affected: yes. Study: VKGL Data-share Consensus. Not counted in ClinVar's aggregate classification.

Genome Diagnostics Laboratory, University Medical Center Utrecht
Classification: Benign. Review status: no assertion criteria provided. Collection method: clinical testing. Allele origin: germline. Affected: yes. Study: VKGL Data-share Consensus. Not counted in ClinVar's aggregate classification.

Joint Genome Diagnostic Labs from Nijmegen and Maastricht, Radboudumc and MUMC+
Classification: Benign. Review status: no assertion criteria provided. Collection method: clinical testing. Allele origin: germline. Affected: yes. Study: VKGL Data-share Consensus. Not counted in ClinVar's aggregate classification.

NM_024422.6(DSC2):c.1719C>T (p.Asn573=)

Gene: DSC2 (desmocollin 2; minus strand). Cytogenetic location: 18q12.1.
Variant type: single nucleotide variant.
Coding change: c.1719C>T on transcript NM_024422.6 (MANE Select); coding-DNA position 1719, C replaced by T.
Protein change: p.Asn573=; no amino-acid change (asparagine 573 retained).
Molecular consequence: synonymous variant.
Genome position (GRCh38, 1-based): chr18:31,074,852, G>A on the plus strand (C>T on the coding strand, the complement: DSC2 is on the minus strand). VCF-style: chr18-31074852-G-A. GRCh37 (hg19) VCF-style: chr18-28654818-G-A.
Other names: p.N573N:AAC>AAT; p.Asn573=; c.1719C>T, p.Asn573= (NM_004949.5).
Identifiers: ClinVar variation 137158 (VCV000137158.47), dbSNP rs140167653, ClinGen allele CA022537.